The following is an entry in ClinVar:

ClinVar aggregate classification (germline): Uncertain significance (1 of 4 stars; one submission).

Allele frequency attached by ClinVar (database versions not stated): gnomAD 0.00001.
gnomAD v4.1: 1 of 1,609,098 alleles (0.000062%); highest among the groups gnomAD compares: African/African-American, 0.0013%; no homozygotes.

Submission:

GeneDx
Classification: Uncertain significance. Last evaluated: 2022-07-01. Review status: criteria provided, single submitter. Criteria: GeneDx Variant Classification Process June 2021. Collection method: clinical testing. Allele origin: germline. Affected: yes.
Comment: Not observed at significant frequency in large population cohorts (gnomAD); In silico analysis supports that this missense variant does not alter protein structure/function; Has not been previously published as pathogenic or benign to our knowledge

NM_001134673.4(NFIA):c.1240G>T (p.Val414Leu)

Gene: NFIA (nuclear factor I A; plus strand). Cytogenetic location: 1p31.3.
Variant type: single nucleotide variant.
Coding change: c.1240G>T on transcript NM_001134673.4 (MANE Select); coding-DNA position 1240, G replaced by T.
Protein change: p.Val414Leu; replaces valine 414 with leucine.
Molecular consequence: missense variant.
Genome position (GRCh38, 1-based): chr1:61,404,268, G>T. VCF-style: chr1-61404268-G-T. GRCh37 (hg19) VCF-style: chr1-61869940-G-T.
Other names: c.1216G>T, p.Val406Leu (NM_001145511.2); c.1375G>T, p.Val459Leu (NM_001145512.2); c.1240G>T, p.Val414Leu (NM_005595.5); short protein forms V406L, V414L, V459L.
Identifiers: ClinVar variation 1809911 (VCV001809911.1), dbSNP rs1665712349, ClinGen allele CA340589362.